The following is an entry in ClinVar:

NM_007194.4(CHEK2):c.496A>T (p.Asn166Tyr)

Gene: CHEK2 (checkpoint kinase 2; minus strand). Cytogenetic location: 22q12.1.
Variant type: single nucleotide variant.
Coding change: c.496A>T on transcript NM_007194.4 (MANE Select); coding-DNA position 496, A replaced by T.
Protein change: p.Asn166Tyr; replaces asparagine 166 with tyrosine.
Molecular consequence: missense variant. On other transcripts: 5 prime UTR variant (2), intron variant (1).
Genome position (GRCh38, 1-based): chr22:28,725,073, T>A on the plus strand (A>T on the coding strand, the complement: CHEK2 is on the minus strand). VCF-style: chr22-28725073-T-A. GRCh37 (hg19) VCF-style: chr22-29121061-T-A.
Other names: c.625A>T, p.Asn209Tyr (NM_001005735.3, NM_001438294.1); c.-282A>T (NM_001257387.3); c.-168A>T (NM_001437942.1); c.589A>T, p.Asn197Tyr (NM_001438293.1, NM_001438295.1); c.496A>T, p.Asn166Tyr (NM_145862.3); c.445-150A>T (NM_001349956.3); short protein forms N166Y, N209Y, N197Y.
Identifiers: ClinVar variation 3719817 (VCV003719817.2).

ClinVar aggregate classification (germline): Uncertain significance (1 of 4 stars; one submission).

Conditions:
Familial cancer of breast. Also called: BREAST CANCER, FAMILIAL; Hereditary breast cancer; hereditary breast carcinoma. Identifiers: Orphanet 227535, MedGen C0346153, MONDO:0016419, OMIM 114480. Disease mechanism: loss of function.

Submission:

Labcorp Genetics (formerly Invitae), Labcorp
Classification: Uncertain significance for Familial cancer of breast. Last evaluated: 2024-09-19. Review status: criteria provided, single submitter. Criteria: Invitae Variant Classification Sherloc (09022015). Collection method: clinical testing. Allele origin: germline.
Comment: This sequence change replaces asparagine, which is neutral and polar, with tyrosine, which is neutral and polar, at codon 166 of the CHEK2 protein (p.Asn166Tyr). This variant is not present in population databases (gnomAD no frequency). This variant has not been reported in the literature in individuals affected with CHEK2-related conditions. An algorithm developed to predict the effect of missense changes on protein structure and function (PolyPhen-2) suggests that this variant is likely to be disruptive. In summary, the available evidence is currently insufficient to determine the role of this variant in disease. Therefore, it has been classified as a Variant of Uncertain Significance.